The following is an entry in ClinVar:

NM_006767.4(LZTR1):c.1391del (p.Thr464fs)

Gene: LZTR1 (leucine zipper like post translational regulator 1; plus strand). Cytogenetic location: 22q11.21.
Variant type: Deletion.
Coding change: c.1391del on transcript NM_006767.4 (MANE Select); coding-DNA position 1391, one base deleted (C; older notation c.1391delC).
Protein change: p.Thr464fs; shifts the reading frame from threonine 464.
Molecular consequence: frameshift variant.
Genome position (GRCh38, 1-based): chr22:20,993,961, C deleted. VCF-style (leftmost placement, unchanged base first): chr22-20993960-AC-A. GRCh37 (hg19) VCF-style: chr22-21348249-AC-A.
Other names: short protein forms T464fs.
Identifiers: ClinVar variation 3238071 (VCV003238071.3), dbSNP rs2518620438.

ClinVar aggregate classification (germline): Pathogenic. Review status: criteria provided, multiple submitters, no conflicts (2 of 4 stars). 2 submissions from 2 submitters: Pathogenic (2). Last evaluated 2024-08-01.

Conditions:
Hereditary cancer-predisposing syndrome. Also called: Neoplastic Syndromes, Hereditary; Tumor predisposition; Hereditary neoplastic syndrome; Hereditary Cancer Syndrome. Identifiers: Orphanet 140162, MedGen C0027672, MeSH D009386, MONDO:0015356.
Cardiovascular phenotype. Identifiers: MedGen CN230736.

Allele frequency attached by ClinVar (database versions not stated): gnomAD exomes below 0.00001.

Submissions (2):

Labcorp Genetics (formerly Invitae), Labcorp
Classification: Pathogenic. Last evaluated: 2024-08-01. Review status: criteria provided, single submitter. Criteria: Invitae Variant Classification Sherloc (09022015). Collection method: clinical testing. Allele origin: germline.
Comment: This sequence change creates a premature translational stop signal (p.Thr464Lysfs*92) in the LZTR1 gene. It is expected to result in an absent or disrupted protein product. Loss-of-function variants in LZTR1 are known to be pathogenic (PMID: 24362817, 25335493, 25480913, 25795793, 29469822, 30368668, 30442762, 30442766, 30481304, 30859559). This variant is not present in population databases (gnomAD no frequency). This variant has not been reported in the literature in individuals affected with LZTR1-related conditions. For these reasons, this variant has been classified as Pathogenic.

Ambry Genetics
Classification: Pathogenic for Cardiovascular phenotype; Hereditary cancer-predisposing syndrome. Last evaluated: 2023-08-17. Review status: criteria provided, single submitter. Criteria: Ambry Variant Classification Scheme 2023. Collection method: clinical testing. Allele origin: germline.
Comment: The c.1391delC variant, located in coding exon 13 of the LZTR1 gene, results from a deletion of one nucleotide at nucleotide position 1391, causing a translational frameshift with a predicted alternate stop codon (p.T464Kfs*92). This variant is considered to be rare based on population cohorts in the Genome Aggregation Database (gnomAD). Loss-of-function variants in LZTR1 are related to an increased risk for schwannomas and autosomal recessive Noonan syndrome; however, such associations with autosomal dominant Noonan syndrome have not been observed (Piotrowski A et al. Nat Genet. 2014 Feb;46:182-7; Yamamoto GL et al. J Med Genet. 2015 Jun;52:413-21; Johnston JJ et al. Genet Med. 2018 10;20:1175-1185). This alteration is expected to result in loss of function by premature protein truncation or nonsense-mediated mRNA decay. Based on the supporting evidence, this variant is pathogenic for an increased risk of LZTR1-related schwannomatosis (SWN) and would be expected to cause autosomal recessive Noonan syndrome when present along with a second pathogenic or likely pathogenic variant on the other allele; however, the association of this alteration with autosomal dominant Noonan syndrome is unlikely.

Literature cited by the submitters: PubMed 24362817 (cited by Labcorp Genetics (formerly Invitae), Labcorp); PubMed 25335493 (cited by Labcorp Genetics (formerly Invitae), Labcorp); PubMed 25480913 (cited by Labcorp Genetics (formerly Invitae), Labcorp); PubMed 25795793 (cited by Labcorp Genetics (formerly Invitae), Labcorp); PubMed 29469822 (cited by Labcorp Genetics (formerly Invitae), Labcorp); PubMed 30368668 (cited by Labcorp Genetics (formerly Invitae), Labcorp); PubMed 30442762 (cited by Labcorp Genetics (formerly Invitae), Labcorp); PubMed 30442766 (cited by Labcorp Genetics (formerly Invitae), Labcorp); PubMed 30481304 (cited by Labcorp Genetics (formerly Invitae), Labcorp); PubMed 30859559 (cited by Labcorp Genetics (formerly Invitae), Labcorp).